The following is an entry in ClinVar:

ClinVar aggregate classification (germline): Likely benign (1 of 4 stars; one submission).

Allele frequency attached by ClinVar (database versions not stated): TOPMed 0.00002; gnomAD 0.00004; 1000 Genomes Project 30x 0.00187.

Submission:

CeGaT Center for Human Genetics Tuebingen
Classification: Likely benign. Last evaluated: 2024-03-01. Review status: criteria provided, single submitter. Criteria: CeGaT Center For Human Genetics Tuebingen Variant Classification Criteria Version 2. Collection method: clinical testing. Allele origin: germline. Affected: yes. Observed: 3 variant alleles.
Comment: NUPR2: BP4, BP7

NM_001145712.2(NUPR2):c.15A>T (p.Ala5=)

Gene: NUPR2 (nuclear protein 2, transcriptional regulator; minus strand). Cytogenetic location: 7p11.2.
Variant type: single nucleotide variant.
Coding change: c.15A>T on transcript NM_001145712.2 (MANE Select); coding-DNA position 15, A replaced by T.
Protein change: p.Ala5=; no amino-acid change (alanine 5 retained).
Molecular consequence: synonymous variant.
Genome position (GRCh38, 1-based): chr7:56,116,300, T>A on the plus strand (A>T on the coding strand, the complement: NUPR2 is on the minus strand). VCF-style: chr7-56116300-T-A. GRCh37 (hg19) VCF-style: chr7-56183993-T-A.
Identifiers: ClinVar variation 2657517 (VCV002657517.24), dbSNP rs1302267023, ClinGen allele CA455674196.
Genomic context (GRCh38, chr7:56,116,300, plus strand): 5'-CTCGTAGCTTATGGGTGGCGGCGGCCGAGCCAGAGCCTGCAGACGTGGAAGCGCCCGCTC[T>A]GCGGGCGCTTCCATCCTGCCCAGGCCTGTGGCCACCGGCGGCCACCTGCCCGCGTCTGGG-3'
Protein context (NP_001139184.1, residues 1-15): MEAP[Ala5=]ERALPRLQAL